The following is an entry in ClinVar:

NM_007078.3(LDB3):c.596T>C (p.Ile199Thr)

Gene: LDB3 (LIM domain binding 3; plus strand). Cytogenetic location: 10q23.2.
Variant type: single nucleotide variant.
Coding change: c.596T>C on transcript NM_007078.3 (MANE Select); coding-DNA position 596, T replaced by C.
Protein change: p.Ile199Thr; replaces isoleucine 199 with threonine.
Molecular consequence: missense variant. On other transcripts: intron variant (5).
Genome position (GRCh38, 1-based): chr10:86,681,710, T>C. VCF-style: chr10-86681710-T-C. GRCh37 (hg19) VCF-style: chr10-88441467-T-C.
Other names: c.596T>C, p.Ile199Thr (NM_001080115.2, NM_001171610.2, NM_001171611.2 and 3 more transcripts); c.321+1553T>C (NM_001368068.1, NM_001368066.1, NM_001080114.2 and 2 more transcripts); short protein forms I199T.
Identifiers: ClinVar variation 3290352 (VCV003290352.1).

ClinVar aggregate classification (germline): Uncertain significance (1 of 4 stars; one submission).

Conditions:
Cardiovascular phenotype. Identifiers: MedGen CN230736.

Submission:

Ambry Genetics
Classification: Uncertain significance for Cardiovascular phenotype. Last evaluated: 2024-04-08. Review status: criteria provided, single submitter. Criteria: Ambry Variant Classification Scheme 2023. Collection method: clinical testing. Allele origin: germline.
Comment: The p.I199T variant (also known as c.596T>C), located in coding exon 4 of the LDB3 gene, results from a T to C substitution at nucleotide position 596. The isoleucine at codon 199 is replaced by threonine, an amino acid with similar properties. This amino acid position is conserved. In addition, this alteration is predicted to be deleterious by in silico analysis. Based on the available evidence, the clinical significance of this variant remains unclear.